The following is an entry in ClinVar:

NM_001042492.3(NF1):c.7373G>A (p.Arg2458Lys)

Gene: NF1 (neurofibromin 1; plus strand). Cytogenetic location: 17q11.2.
Variant type: single nucleotide variant.
Coding change: c.7373G>A on transcript NM_001042492.3 (MANE Select); coding-DNA position 7373, G replaced by A.
Protein change: p.Arg2458Lys; replaces arginine 2458 with lysine.
Molecular consequence: missense variant.
Genome position (GRCh38, 1-based): chr17:31,350,234, G>A. VCF-style: chr17-31350234-G-A. GRCh37 (hg19) VCF-style: chr17-29677252-G-A.
Other names: c.7310G>A, p.Arg2437Lys (NM_000267.4); short protein forms R2437K, R2458K.
Identifiers: ClinVar variation 457835 (VCV000457835.15), dbSNP rs1555536130, ClinGen allele CA399017049.
Genomic context (GRCh38, chr17:31,350,234, plus strand): 5'-TCCTTTTAGCTTTACTTACAGTGTCTGAAGAAGTTCGAAGTCGCTGCAGCCTAAAACATA[G>A]AAAGTCACTTCTTCTTACTGATATTTCAATGGAAAATGTTCCTATGGATACATATCCCAT-3'
Protein context (NP_001035957.1, residues 2448-2468): EVRSRCSLKH[Arg2458Lys]KSLLLTDISM

ClinVar aggregate classification (germline): Conflicting classifications of pathogenicity. Review status: criteria provided, conflicting classifications (1 of 4 stars). 4 submissions from 4 submitters: Uncertain significance (3); Likely benign (1). Last evaluated 2025-07-22.

Conditions:
Cardiovascular phenotype. Identifiers: MedGen CN230736.
Hereditary cancer-predisposing syndrome. Also called: Hereditary Cancer Syndrome; Hereditary neoplastic syndrome; Tumor predisposition; Neoplastic Syndromes, Hereditary. Identifiers: Orphanet 140162, MedGen C0027672, MeSH D009386, MONDO:0015356.
Neurofibromatosis, type 1 (NF1). Also called: VON RECKLINGHAUSEN DISEASE; NEUROFIBROMATOSIS, TYPE I, SOMATIC; Peripheral type neurofibromatosis; Neurofibromatosis, type I. Identifiers: Orphanet 636, MedGen C0027831, MONDO:0018975, OMIM 162200. Disease mechanism: loss of function.

gnomAD v4.1: 1 of 1,613,852 alleles (0.000062%); highest among the groups gnomAD compares: Non-Finnish European, 0.000085%; no homozygotes.

Submissions (4):

Labcorp Genetics (formerly Invitae), Labcorp
Classification: Likely benign for Neurofibromatosis, type 1. Last evaluated: 2025-07-22. Review status: criteria provided, single submitter. Criteria: Invitae Variant Classification Sherloc (09022015). Collection method: clinical testing. Allele origin: germline.

Ambry Genetics
Classification: Uncertain significance for Cardiovascular phenotype; Hereditary cancer-predisposing syndrome. Last evaluated: 2022-03-28. Review status: criteria provided, single submitter. Criteria: Ambry Variant Classification Scheme 2023. Collection method: clinical testing. Allele origin: germline.
Comment: The p.R2437K variant (also known as c.7310G>A), located in coding exon 49 of the NF1 gene, results from a G to A substitution at nucleotide position 7310. The arginine at codon 2437 is replaced by lysine, an amino acid with highly similar properties. This amino acid position is highly conserved in available vertebrate species. In addition, this alteration is predicted to be tolerated by in silico analysis. Since supporting evidence is limited at this time, the clinical significance of this alteration remains unclear.

Genome-Nilou Lab
Classification: Uncertain significance for Neurofibromatosis, type 1. Last evaluated: 2022-03-15. Review status: criteria provided, single submitter. Criteria: ACMG Guidelines, 2015. Collection method: clinical testing. Allele origin: germline. Affected: no.

GeneDx
Classification: Uncertain significance. Last evaluated: 2019-02-01. Review status: criteria provided, single submitter. Criteria: GeneDx Variant Classification Process June 2021. Collection method: clinical testing. Allele origin: germline. Affected: yes.
Comment: Not observed in large population cohorts (Lek et al., 2016); In silico analysis, which includes protein predictors and evolutionary conservation, supports that this variant does not alter protein structure/function; Has not been previously published as pathogenic or benign to our knowledge